The following is an entry in ClinVar:

ClinVar aggregate classification (germline): Benign/Likely benign. Review status: criteria provided, multiple submitters, no conflicts (2 of 4 stars). 4 submissions from 4 submitters: Benign (1); Likely benign (3). Last evaluated 2024-11-04.

Conditions:
Hereditary cancer-predisposing syndrome. Also called: Hereditary neoplastic syndrome; Neoplastic Syndromes, Hereditary; Tumor predisposition; Hereditary Cancer Syndrome. Identifiers: Orphanet 140162, MedGen C0027672, MeSH D009386, MONDO:0015356.
Familial cancer of breast. Also called: BREAST CANCER, FAMILIAL; Hereditary breast cancer; hereditary breast carcinoma. Identifiers: Orphanet 227535, MedGen C0346153, MONDO:0016419, OMIM 114480. Disease mechanism: loss of function.
Ataxia-telangiectasia syndrome (AT). Also called: LOUIS-BAR SYNDROME; Cerebello-oculocutaneous telangiectasia; Immunodeficiency with ataxia telangiectasia; AT, COMPLEMENTATION GROUP C; Ataxia-telangiectasia, complementation group D; ATAXIA-TELANGIECTASIA, COMPLEMENTATION GROUP A. Identifiers: Orphanet 100, MedGen C0004135, MONDO:0008840, OMIM 208900.

Submissions (4):

Labcorp Genetics (formerly Invitae), Labcorp
Classification: Likely benign for Ataxia-telangiectasia syndrome. Last evaluated: 2024-11-04. Review status: criteria provided, single submitter. Criteria: Invitae Variant Classification Sherloc (09022015). Collection method: clinical testing. Allele origin: germline.

Myriad Genetics, Inc.
Classification: Benign for Familial cancer of breast. Last evaluated: 2024-05-10. Review status: criteria provided, single submitter. Criteria: Myriad Autosomal Dominant, Autosomal Recessive and X-Linked Classification Criteria (2023). Collection method: clinical testing. Allele origin: unknown.
Comment: This variant is considered benign. This variant is a silent/synonymous amino acid change and it is not expected to impact splicing.

Women's Health and Genetics/Laboratory Corporation of America, LabCorp
Classification: Likely benign. Last evaluated: 2020-01-12. Review status: criteria provided, single submitter. Criteria: LabCorp Variant Classification Summary - May 2015. Collection method: clinical testing. Allele origin: germline.

Ambry Genetics
Classification: Likely benign for Hereditary cancer-predisposing syndrome. Last evaluated: 2016-07-27. Review status: criteria provided, single submitter. Criteria: Ambry Variant Classification Scheme 2023. Collection method: clinical testing. Allele origin: germline.

NM_000051.4(ATM):c.2703C>G (p.Leu901=)

Gene: ATM (ATM serine/threonine kinase; plus strand). Cytogenetic location: 11q22.3.
Variant type: single nucleotide variant.
Coding change: c.2703C>G on transcript NM_000051.4 (MANE Select); coding-DNA position 2703, C replaced by G.
Protein change: p.Leu901=; no amino-acid change (leucine 901 retained).
Molecular consequence: synonymous variant.
Genome position (GRCh38, 1-based): chr11:108,268,474, C>G. VCF-style: chr11-108268474-C-G. GRCh37 (hg19) VCF-style: chr11-108139201-C-G.
Other names: c.2703C>G, p.Leu901= (NM_001351834.2).
Identifiers: ClinVar variation 481074 (VCV000481074.18), dbSNP rs1315907364, ClinGen allele CA476673821.
Genomic context (GRCh38, chr11:108,268,474, plus strand): 5'-CATTAATCCTTTAGCTGAAGAATATCTGTCAAAGCAAGATCTACTTTTCTTAGACATGCT[C>G]AAGTTCTTGTGTTTGTGTGTAACTACTGCTCAGACCAATACTGTGTCCTTTAGGGCAGCT-3'
Protein context (NP_000042.3, residues 891-911): SKQDLLFLDM[Leu901=]KFLCLCVTTA